The following is an entry in ClinVar:

NM_001127511.3(APC):c.-155C>T

Gene: APC (APC regulator of Wnt signaling pathway; plus strand). Cytogenetic location: 5q22.2.
Variant type: single nucleotide variant.
Coding change: c.-155C>T on transcript NM_001127511.3; 155 bases upstream of the start codon, C replaced by T.
Molecular consequence: 5 prime UTR variant. On other transcripts: non-coding transcript variant (2).
Genome position (GRCh38, 1-based): chr5:112,707,563, C>T. VCF-style: chr5-112707563-C-T. GRCh37 (hg19) VCF-style: chr5-112043260-C-T.
Other names: c.-338C>T (NM_001354895.2, NM_001407447.1, NM_001407452.1 and 3 more transcripts); c.-155C>T (NM_001354897.2, NM_001354902.2, NM_001407446.1); c.-105C>T (NM_001407448.1, NM_001407450.1, NM_001407457.1 and 1 more transcripts); c.-129C>T (NM_001407453.1); c.-1373C>T (NM_001407470.1, NM_001407472.1).
Identifiers: ClinVar variation 1023592 (VCV001023592.7), dbSNP rs1750576936, ClinGen allele CA1573442446.

ClinVar aggregate classification (germline): Uncertain significance (1 of 4 stars; one submission).

Conditions:
Familial adenomatous polyposis 1 (FAP1). Also called: FAMILIAL ADENOMATOUS POLYPOSIS 1, ATTENUATED; POLYPOSIS, ADENOMATOUS INTESTINAL. Identifiers: MedGen C2713442, MONDO:0021056, OMIM 175100. Disease mechanism: loss of function.

Submission:

Labcorp Genetics (formerly Invitae), Labcorp
Classification: Uncertain significance for Familial adenomatous polyposis 1. Last evaluated: 2023-08-25. Review status: criteria provided, single submitter. Criteria: Invitae Variant Classification Sherloc (09022015). Collection method: clinical testing. Allele origin: germline.
Comment: This variant occurs in a non-coding region of the APC gene. It does not change the encoded amino acid sequence of the APC protein. Experimental studies and prediction algorithms are not available or were not evaluated, and the functional significance of this variant is currently unknown. This variant has not been reported in the literature in individuals affected with APC-related conditions. This variant is not present in population databases (gnomAD no frequency). In summary, the available evidence is currently insufficient to determine the role of this variant in disease. Therefore, it has been classified as a Variant of Uncertain Significance.